The following is an entry in ClinVar:

NM_016203.4(PRKAG2):c.224G>C (p.Gly75Ala)

Gene: PRKAG2 (protein kinase AMP-activated non-catalytic subunit gamma 2; minus strand). Cytogenetic location: 7q36.1.
Variant type: single nucleotide variant.
Coding change: c.224G>C on transcript NM_016203.4 (MANE Select); coding-DNA position 224, G replaced by C.
Protein change: p.Gly75Ala; replaces glycine 75 with alanine.
Molecular consequence: missense variant.
Genome position (GRCh38, 1-based): chr7:151,781,394, C>G on the plus strand (G>C on the coding strand, the complement: PRKAG2 is on the minus strand). VCF-style: chr7-151781394-C-G. GRCh37 (hg19) VCF-style: chr7-151478480-C-G.
Other names: c.92G>C, p.Gly31Ala (NM_001040633.2); short protein forms G75A, G31A.
Identifiers: ClinVar variation 359349 (VCV000359349.21), dbSNP rs199963585, ClinGen allele CA056510.

ClinVar aggregate classification (germline): Conflicting classifications of pathogenicity. Review status: criteria provided, conflicting classifications (1 of 4 stars). 7 submissions from 6 submitters: Uncertain significance (4); Likely benign (3). Last evaluated 2024-12-30.

Conditions:
Cardiomyopathy (CMYO). Also called: Cardiomyopathies. Identifiers: Orphanet 167848, MedGen C0878544, MONDO:0004994, HP:0001638. Inheritance: Various modes of inheritance.
Lethal congenital glycogen storage disease of heart. Also called: GLYCOGEN STORAGE DISEASE OF HEART; PHOSPHORYLASE KINASE DEFICIENCY OF HEART. Identifiers: Orphanet 439854, MedGen C1849813, MONDO:0009867, OMIM 261740.
Hypertrophic cardiomyopathy 6. Identifiers: MedGen C1833236, MONDO:0010946, OMIM 600858.
Wolff-Parkinson-White pattern. Also called: WPW SYNDROME; Auriculoventricular accessory pathway syndrome; False bundle branch block syndrome; Anomalous ventricular excitation syndrome. Identifiers: MedGen C0043202, MONDO:0008685, OMIM 194200, HP:0001716.
Cardiovascular phenotype. Identifiers: MedGen CN230736.
Hypertrophic cardiomyopathy. Also called: HYPERTROPHIC MYOCARDIOPATHY. Identifiers: Orphanet 217569, MedGen C0007194, MeSH D002312, MONDO:0005045, HP:0001639.

Allele frequency attached by ClinVar (database versions not stated): TOPMed below 0.00001; gnomAD 0.00001; 1000 Genomes Project 30x 0.00031; 1000 Genomes Project 0.00040.
gnomAD v4.1: 72 of 1,612,008 alleles (0.0045%); highest among the groups gnomAD compares: East Asian, 0.16%; no homozygotes.

Submissions (7):

Labcorp Genetics (formerly Invitae), Labcorp
Classification: Likely benign for Lethal congenital glycogen storage disease of heart. Last evaluated: 2024-12-30. Review status: criteria provided, single submitter. Criteria: Invitae Variant Classification Sherloc (09022015). Collection method: clinical testing. Allele origin: germline.

Color Diagnostics, LLC DBA Color Health
Classification: Likely benign for Cardiomyopathy. Last evaluated: 2024-04-25. Review status: criteria provided, single submitter. Criteria: ACMG Guidelines, 2015. Collection method: clinical testing. Allele origin: germline.

All of Us Research Program, National Institutes of Health
Classification: Uncertain significance for Hypertrophic cardiomyopathy. Last evaluated: 2023-11-30. Review status: criteria provided, single submitter. Criteria: ACMG Guidelines, 2015. Collection method: clinical testing. Allele origin: germline. Inheritance: Autosomal dominant inheritance. Observed: 7 variant alleles, 7 heterozygotes.
Comment: This variant is located in the PRKAG2 protein. Computational prediction suggests that this variant may not impact protein structure and function (internally defined REVEL score threshold <= 0.5, PMID: 27666373). To our knowledge, functional studies have not been reported for this variant. This variant has also been identified in 11/241710 chromosomes (11/18080 East Asian chromosomes) in the general population by the Genome Aggregation Database (gnomAD). The available evidence is insufficient to determine the role of this variant in disease conclusively. Therefore, this variant is classified as a Variant of Uncertain Significance.

This study involves interpretation of variants in research participants for the purpose of population health screening. Participant phenotype was not available at the time of variant classification. Additional details can be found in publication PMID: 35346344, PMCID: PMC8962531

Women's Health and Genetics/Laboratory Corporation of America, LabCorp
Classification: Likely benign. Last evaluated: 2023-05-16. Review status: criteria provided, single submitter. Criteria: LabCorp Variant Classification Summary - May 2015. Collection method: clinical testing. Allele origin: germline.
Comment: Variant summary: PRKAG2 c.224G>C (p.Gly75Ala) results in a non-conservative amino acid change in the encoded protein sequence. Four of five in-silico tools predict a damaging effect of the variant on protein function. The variant allele was found at a frequency of 4.6e-05 in 241710 control chromosomes. The observed variant frequency is approximately 3.64 fold of the estimated maximal expected allele frequency for a pathogenic variant in PRKAG2 causing Hypertrophic Cardiomyopathy With Wolff-Parkinson-White phenotype (1.3e-05), strongly suggesting that the variant is benign. c.224G>C has been reported in the literature in individuals affected with myocyte disarray (Hata_2019). This report does not provide unequivocal conclusions about association of the variant with Hypertrophic Cardiomyopathy With Wolff-Parkinson-White. To our knowledge, no experimental evidence demonstrating an impact on protein function has been reported. The following publication have been ascertained in the context of this evaluation (PMID: 30959811). Four clinical diagnostic laboratories have submitted clinical-significance assessments for this variant to ClinVar after 2014 without evidence for independent evaluation. One submitter classified as likely benign while three classified as VUS. Based on the evidence outlined above, the variant was classified as likely benign.

Ambry Genetics
Classification: Uncertain significance for Cardiovascular phenotype. Last evaluated: 2022-10-06. Review status: criteria provided, single submitter. Criteria: Ambry Variant Classification Scheme 2023. Collection method: clinical testing. Allele origin: germline.
Comment: The p.G75A variant (also known as c.224G>C), located in coding exon 3 of the PRKAG2 gene, results from a G to C substitution at nucleotide position 224. The glycine at codon 75 is replaced by alanine, an amino acid with similar properties. This amino acid position is well conserved in available vertebrate species. In addition, this alteration is predicted to be tolerated by in silico analysis. Since supporting evidence is limited at this time, the clinical significance of this alteration remains unclear.

Illumina Laboratory Services, Illumina
Classification: Uncertain significance for Wolff-Parkinson-White pattern. Last evaluated: 2018-01-13. Review status: criteria provided, single submitter. Criteria: ICSL Variant Classification Criteria 13 December 2019. Collection method: clinical testing. Allele origin: germline.

Illumina Laboratory Services, Illumina
Classification: Uncertain significance for Hypertrophic cardiomyopathy 6. Last evaluated: 2018-01-13. Review status: criteria provided, single submitter. Criteria: ICSL Variant Classification Criteria 13 December 2019. Collection method: clinical testing. Allele origin: germline.

Literature cited by the submitters: PubMed 30959811 (cited by All of Us Research Program, National Institutes of Health and Women's Health and Genetics/Laboratory Corporation of America, LabCorp).